The following is an entry in ClinVar:

ClinVar aggregate classification (germline): Benign. Review status: criteria provided, multiple submitters, no conflicts (2 of 4 stars). 4 submissions from 4 submitters: Benign (3). 1 of the submissions does not count toward it. Last evaluated 2025-03-26.

Conditions:
JAG2-related disorder. Also called: JAG2-related condition.

Allele frequency attached by ClinVar (database versions not stated): gnomAD exomes 0.00257 and 0.00101; 1000 Genomes Project 0.01058; gnomAD 0.01155 and 0.01255; TOPMed 0.01319; ExAC 0.00578; ESP Exome Variant Server 0.00973; 1000 Genomes Project 30x 0.01140.
gnomAD v4.1: 3,257 of 1,550,170 alleles (0.21%); highest among the groups gnomAD compares: African/African-American, 3.9%; 65 homozygotes.

Submissions (4):

Mayo Clinic Laboratories, Mayo Clinic
Classification: Benign. Last evaluated: 2025-03-26. Review status: criteria provided, single submitter. Criteria: ACMG Guidelines, 2015. Collection method: clinical testing. Allele origin: germline. Observed: 3 variant alleles.
Comment: BS1, BS2, BP4, BP7

Labcorp Genetics (formerly Invitae), Labcorp
Classification: Benign. Last evaluated: 2019-12-31. Review status: criteria provided, single submitter. Criteria: Invitae Variant Classification Sherloc (09022015). Collection method: clinical testing. Allele origin: germline.

Breakthrough Genomics
Classification: Benign. Review status: criteria provided, single submitter. Criteria: ACMG Guidelines, 2015. Collection method: not provided. Allele origin: germline. Inheritance: Autosomal recessive inheritance. Affected: yes.

PreventionGenetics, part of Exact Sciences
Classification: Benign for JAG2-related condition. Last evaluated: 2019-02-25. Review status: no assertion criteria provided. Collection method: clinical testing. Allele origin: germline. Not counted in ClinVar's aggregate classification.
Comment: This variant is classified as benign based on ACMG/AMP sequence variant interpretation guidelines (Richards et al. 2015 PMID: 25741868, with internal and published modifications).

NM_002226.5(JAG2):c.1545C>T (p.Asp515=)

Gene: JAG2 (jagged canonical Notch ligand 2; minus strand). Cytogenetic location: 14q32.33.
Variant type: single nucleotide variant.
Coding change: c.1545C>T on transcript NM_002226.5 (MANE Select); coding-DNA position 1545, C replaced by T.
Protein change: p.Asp515=; no amino-acid change (aspartic acid 515 retained).
Molecular consequence: synonymous variant.
Genome position (GRCh38, 1-based): chr14:105,150,661, G>A on the plus strand (C>T on the coding strand, the complement: JAG2 is on the minus strand). VCF-style: chr14-105150661-G-A. GRCh37 (hg19) VCF-style: chr14-105616998-G-A.
Other names: p.Asp515=; c.1431C>T, p.Asp477= (NM_145159.3).
Identifiers: ClinVar variation 787112 (VCV000787112.8), dbSNP rs114828659, ClinGen allele CA7385977.